The following is an entry in ClinVar:

NM_053025.4(MYLK):c.5686G>A (p.Glu1896Lys)

Genes: MYLK (myosin light chain kinase; minus strand), MYLK-AS1 (MYLK antisense RNA 1; plus strand). Cytogenetic location: 3q21.1.
Variant type: single nucleotide variant.
Coding change: c.5686G>A on transcript NM_053025.4 (MANE Select); coding-DNA position 5686, G replaced by A.
Protein change: p.Glu1896Lys; replaces glutamic acid 1896 with lysine.
Molecular consequence: missense variant.
Genome position (GRCh38, 1-based): chr3:123,614,164, C>T on the plus strand (G>A on the coding strand, the complement: MYLK is on the minus strand). VCF-style: chr3-123614164-C-T. GRCh37 (hg19) VCF-style: chr3-123333011-C-T.
Other names: c.5158G>A, p.Glu1720Lys (NM_001321309.2); c.403G>A, p.Glu135Lys (NM_001438035.1, NM_053031.4); c.5479G>A, p.Glu1827Lys (NM_053026.4); c.5533G>A, p.Glu1845Lys (NM_053027.4); c.5326G>A, p.Glu1776Lys (NM_053028.4); c.406G>A, p.Glu136Lys (NM_053032.4); short protein forms E136K, E1776K, E135K, E1827K, E1845K, E1896K, E1720K.
Identifiers: ClinVar variation 4115046 (VCV004115046.1).

ClinVar aggregate classification (germline): Uncertain significance (1 of 4 stars; one submission).

Conditions:
Familial thoracic aortic aneurysm and aortic dissection (TAAD). Also called: Thoracic aortic aneurysms and dissections. Identifiers: Orphanet 91387, MedGen C4707243, MONDO:0019625.

Submission:

Ambry Genetics
Classification: Uncertain significance for Familial thoracic aortic aneurysm and aortic dissection. Last evaluated: 2025-06-17. Review status: criteria provided, single submitter. Criteria: Ambry Variant Classification Scheme 2023. Collection method: clinical testing. Allele origin: germline.
Comment: The p.E1896K variant (also known as c.5686G>A), located in coding exon 31 of the MYLK gene, results from a G to A substitution at nucleotide position 5686. The glutamic acid at codon 1896 is replaced by lysine, an amino acid with similar properties. This amino acid position is conserved. In addition, the in silico prediction for this alteration is inconclusive. Based on the available evidence, the clinical significance of this variant remains unclear.